The following is an entry in ClinVar:

NM_001127222.2(CACNA1A):c.4383G>A (p.Trp1461Ter)

Gene: CACNA1A (calcium voltage-gated channel subunit alpha1 A; minus strand). Cytogenetic location: 19p13.13.
Variant type: single nucleotide variant.
Coding change: c.4383G>A on transcript NM_001127222.2 (MANE Select); coding-DNA position 4383, G replaced by A.
Protein change: p.Trp1461Ter; replaces tryptophan 1461 with a stop codon.
Molecular consequence: nonsense.
Genome position (GRCh38, 1-based): chr19:13,259,569, C>T on the plus strand (G>A on the coding strand, the complement: CACNA1A is on the minus strand). VCF-style: chr19-13259569-C-T. GRCh37 (hg19) VCF-style: chr19-13370383-C-T.
Other names: c.4395G>A, p.Trp1465Ter (NM_000068.4, NM_023035.3); c.4386G>A, p.Trp1462Ter (NM_001127221.2, NM_001174080.2); short protein forms W1462*, W1461*, W1465*.
Identifiers: ClinVar variation 372910 (VCV000372910.1), dbSNP rs1057518069, ClinGen allele CA16043172.

ClinVar aggregate classification (germline): Likely pathogenic (1 of 4 stars; one submission).

Submission:

GeneDx
Classification: Likely pathogenic. Last evaluated: 2016-02-08. Review status: criteria provided, single submitter. Criteria: GeneDx Variant Classification (06012015). Collection method: clinical testing. Allele origin: germline. Affected: yes.
Comment: The W1462X variant has not been published as a pathogenic variant, nor has it been reported as a benign variant to our knowledge. It was not observed in approximately 6,000 individuals of European and African American ancestry in the NHLBI Exome Sequencing Project, indicating it is not a common benign variant in these populations. The W1462X nonsense variant in the CACNA1A gene is predicted to cause loss of normal protein function either through protein truncation or nonsense-mediated mRNA decay. Additionally, multiple downstream nonsense variants have been reported in Human Gene Mutation Database in association with CACNA1A-related disorders (Stenson et al., 2014), supporting the functional importance of this region of the protein. Therefore, this variant is likely pathogenic; however, the possibility that it is benign cannot be excluded.